The following is an entry in ClinVar:

NM_005159.5(ACTC1):c.758G>C (p.Gly253Ala)

Genes: ACTC1 (actin alpha cardiac muscle 1; minus strand), GJD2-DT (GJD2 divergent transcript; plus strand). Cytogenetic location: 15q14.
Variant type: single nucleotide variant.
Coding change: c.758G>C on transcript NM_005159.5 (MANE Select); coding-DNA position 758, G replaced by C.
Protein change: p.Gly253Ala; replaces glycine 253 with alanine.
Molecular consequence: missense variant.
Genome position (GRCh38, 1-based): chr15:34,792,140, C>G on the plus strand (G>C on the coding strand, the complement: ACTC1 is on the minus strand). VCF-style: chr15-34792140-C-G. GRCh37 (hg19) VCF-style: chr15-35084341-C-G.
Other names: c.758G>C, p.Gly253Ala (NM_001406482.1, NM_001406483.1); c.317G>C, p.Gly106Ala (NM_001406485.1); c.623G>C, p.Gly208Ala (NM_001406484.1); short protein forms G253A, G106A, G208A.
Identifiers: ClinVar variation 2944752 (VCV002944752.3), dbSNP rs2140430523, ClinGen allele CA391629845.
Genomic context (GRCh38, chr15:34,792,140, plus strand): 5'-TACAACTCACCAATGAAGGAGGGCTGGAAGAGTGTCTCAGGACAGCGGAAGCGCTCATTG[C>G]CAATAGTGATGACTTGGCCATCAGGCAGTTCATAGCTCTTCTCCAGGGAGGAGGAAGAGG-3'
Protein context (NP_005150.1, residues 243-263): ELPDGQVITI[Gly253Ala]NERFRCPETL

ClinVar aggregate classification (germline): Uncertain significance (1 of 4 stars; one submission).

Conditions:
Hypertrophic cardiomyopathy 11. Also called: ACTC1-Related Familial Hypertrophic Cardiomyopathy. Identifiers: MedGen C2677506, MONDO:0012799, OMIM 612098.
Dilated cardiomyopathy 1R (CMD1R). Identifiers: Orphanet 154, Orphanet 54260, MedGen C3150681, MONDO:0013261, OMIM 613424.
Atrial septal defect 5 (ASD5). Identifiers: Orphanet 1478, MedGen C2748552, MONDO:0013011, OMIM 612794.

Submission:

Labcorp Genetics (formerly Invitae), Labcorp
Classification: Uncertain significance for Dilated cardiomyopathy 1R; Hypertrophic cardiomyopathy 11; Atrial septal defect 5. Last evaluated: 2023-04-20. Review status: criteria provided, single submitter. Criteria: Invitae Variant Classification Sherloc (09022015). Collection method: clinical testing. Allele origin: germline.
Comment: In summary, the available evidence is currently insufficient to determine the role of this variant in disease. Therefore, it has been classified as a Variant of Uncertain Significance. This sequence change replaces glycine, which is neutral and non-polar, with alanine, which is neutral and non-polar, at codon 253 of the ACTC1 protein (p.Gly253Ala). This variant is not present in population databases (gnomAD no frequency). This variant has not been reported in the literature in individuals affected with ACTC1-related conditions. Advanced modeling of protein sequence and biophysical properties (such as structural, functional, and spatial information, amino acid conservation, physicochemical variation, residue mobility, and thermodynamic stability) performed at Invitae indicates that this missense variant is not expected to disrupt ACTC1 protein function.